The following is an entry in ClinVar:

ClinVar aggregate classification (germline): Likely benign (0 of 4 stars; one submission).

Conditions:
SLC34A3-related disorder. Also called: SLC34A3-related condition.

Submission:

PreventionGenetics, part of Exact Sciences
Classification: Likely benign for SLC34A3-related condition. Last evaluated: 2024-05-30. Review status: no assertion criteria provided. Collection method: clinical testing. Allele origin: germline.
Comment: This variant is classified as likely benign based on ACMG/AMP sequence variant interpretation guidelines (Richards et al. 2015 PMID: 25741868, with internal and published modifications).

NM_001177316.2(SLC34A3):c.560+26C>G

Gene: SLC34A3 (solute carrier family 34 member 3; plus strand). Cytogenetic location: 9q34.3.
Variant type: single nucleotide variant.
Coding change: c.560+26C>G on transcript NM_001177316.2 (MANE Select); 26 bases into the intron after coding-DNA position 560, C replaced by G.
Molecular consequence: intron variant.
Genome position (GRCh38, 1-based): chr9:137,233,141, C>G. VCF-style: chr9-137233141-C-G. GRCh37 (hg19) VCF-style: chr9-140127593-C-G.
Other names: c.560+26C>G (NM_001177317.2, NM_080877.3).
Identifiers: ClinVar variation 3349280 (VCV003349280.1).